The following is an entry in ClinVar:

NM_020999.4(NEUROG3):c.366C>G (p.Ile122Met)

Gene: NEUROG3 (neurogenin 3; minus strand). Cytogenetic location: 10q22.1.
Variant type: single nucleotide variant.
Coding change: c.366C>G on transcript NM_020999.4 (MANE Select); coding-DNA position 366, C replaced by G.
Protein change: p.Ile122Met; replaces isoleucine 122 with methionine.
Molecular consequence: missense variant.
Genome position (GRCh38, 1-based): chr10:69,572,678, G>C on the plus strand (C>G on the coding strand, the complement: NEUROG3 is on the minus strand). VCF-style: chr10-69572678-G-C. GRCh37 (hg19) VCF-style: chr10-71332434-G-C.
Other names: short protein forms I122M.
Identifiers: ClinVar variation 1485300 (VCV001485300.6), dbSNP rs528945193, ClinGen allele CA376922184.
Genomic context (GRCh38, chr10:69,572,678, plus strand): 5'-CGCTATGCGCAGCGTTTGAGTCAGCGCCCAGATGTAGTTGTGGGCGAAGCGCAGCGTCTC[G>C]ATCTTGGTGAGCTTCGCGTCGTCTGGGAAGGTGGGCAGGACACCGCGCAGGGCGTCCAGT-3'
Protein context (NP_066279.2, residues 112-132): TFPDDAKLTK[Ile122Met]ETLRFAHNYI

ClinVar aggregate classification (germline): Uncertain significance (1 of 4 stars; one submission).

Submission:

Labcorp Genetics (formerly Invitae), Labcorp
Classification: Uncertain significance. Last evaluated: 2021-10-09. Review status: criteria provided, single submitter. Criteria: Invitae Variant Classification Sherloc (09022015). Collection method: clinical testing. Allele origin: germline.
Comment: This sequence change replaces isoleucine with methionine at codon 122 of the NEUROG3 protein (p.Ile122Met). The isoleucine residue is highly conserved and there is a small physicochemical difference between isoleucine and methionine. In summary, the available evidence is currently insufficient to determine the role of this variant in disease. Therefore, it has been classified as a Variant of Uncertain Significance. Algorithms developed to predict the effect of missense changes on protein structure and function are either unavailable or do not agree on the potential impact of this missense change (SIFT: "Deleterious"; PolyPhen-2: "Probably Damaging"; Align-GVGD: "Class C0"). This variant has not been reported in the literature in individuals affected with NEUROG3-related conditions. This variant is not present in population databases (ExAC no frequency).